The following is an entry in ClinVar:

NM_001127511.3(APC):c.-167G>A

Gene: APC (APC regulator of Wnt signaling pathway; plus strand). Cytogenetic location: 5q22.2.
Variant type: single nucleotide variant.
Coding change: c.-167G>A on transcript NM_001127511.3; 167 bases upstream of the start codon, G replaced by A.
Molecular consequence: 5 prime UTR variant. On other transcripts: genic upstream transcript variant (1).
Genome position (GRCh38, 1-based): chr5:112,707,551, G>A. VCF-style: chr5-112707551-G-A. GRCh37 (hg19) VCF-style: chr5-112043248-G-A.
Other names: c.-30393G>A (NM_000038.6); c.-350G>A (NM_001354895.2, NM_001407447.1, NM_001407452.1 and 3 more transcripts); c.-167G>A (NM_001354897.2, NM_001354902.2, NM_001407446.1); c.-117G>A (NM_001407448.1, NM_001407450.1, NM_001407457.1 and 1 more transcripts); c.-141G>A (NM_001407453.1); c.-1385G>A (NM_001407470.1, NM_001407472.1).
Identifiers: ClinVar variation 469849 (VCV000469849.12), dbSNP rs1278244063, ClinGen allele CA561890248.

ClinVar aggregate classification (germline): Uncertain significance. Review status: criteria provided, multiple submitters, no conflicts (2 of 4 stars). 2 submissions from 2 submitters: Uncertain significance (2). Last evaluated 2025-07-19.

Conditions:
Gastric cancer. Also called: Stomach cancer; Malignant tumor of stomach. Identifiers: MedGen C0024623, MeSH D013274, MONDO:0001056, OMIM 613659, HP:0012126.
Colorectal cancer. Also called: Colorectal cancer, somatic; Malignant Colorectal Neoplasm. Identifiers: MedGen C0346629, MONDO:0005575, OMIM 114500.
Familial adenomatous polyposis 1 (FAP1). Also called: FAMILIAL ADENOMATOUS POLYPOSIS 1, ATTENUATED; POLYPOSIS, ADENOMATOUS INTESTINAL. Identifiers: MedGen C2713442, MONDO:0021056, OMIM 175100. Disease mechanism: loss of function.
Hepatocellular carcinoma (HCC). Also called: Primary carcinoma of liver; HEPATOMA; LIVER CELL CARCINOMA. Identifiers: Orphanet 88673, MedGen C2239176, MONDO:0007256, OMIM 114550, HP:0001402.
Desmoid disease, hereditary (DESMD). Also called: FIBROMATOSIS, FAMILIAL INFILTRATIVE. Identifiers: Orphanet 873, MedGen C1851124, OMIM 135290. Disease mechanism: loss of function.
Gastric adenocarcinoma and proximal polyposis of the stomach (GAPPS). Also called: Polyposis, gastric, Dos Santos and de Magalhaes 1980; POLYPOSIS, GASTRIC; Gastric Adenocarcinoma and Proximal Polyposis of the Stomach (GAPPS). Identifiers: Orphanet 314022, MedGen C4749917, MONDO:0017790, OMIM 619182.

Allele frequency attached by ClinVar (database versions not stated): TOPMed 0.00001; gnomAD 0.00003 and 0.00004.
gnomAD v4.1: 7 of 570,140 alleles (0.0012%); highest among the groups gnomAD compares: African/African-American, 0.0075%; no homozygotes.

Submissions (2):

Labcorp Genetics (formerly Invitae), Labcorp
Classification: Uncertain significance for Familial adenomatous polyposis 1. Last evaluated: 2025-07-19. Review status: criteria provided, single submitter. Criteria: Invitae Variant Classification Sherloc (09022015). Collection method: clinical testing. Allele origin: germline.
Comment: This variant occurs in a non-coding region of the APC gene. It does not change the encoded amino acid sequence of the APC protein. This variant is present in population databases (no rsID available, gnomAD 0.01%). This variant has not been reported in the literature in individuals affected with APC-related conditions. ClinVar contains an entry for this variant (Variation ID: 469849). Experimental studies and prediction algorithms are not available or were not evaluated, and the functional significance of this variant is currently unknown. In summary, the available evidence is currently insufficient to determine the role of this variant in disease. Therefore, it has been classified as a Variant of Uncertain Significance.

Fulgent Genetics
Classification: Uncertain significance for Colorectal cancer; Hepatocellular carcinoma; Desmoid disease, hereditary; Familial adenomatous polyposis 1; Gastric cancer; Gastric adenocarcinoma and proximal polyposis of the stomach. Last evaluated: 2022-05-14. Review status: criteria provided, single submitter. Criteria: ACMG Guidelines, 2015. Collection method: clinical testing. Allele origin: unknown.